The following is an entry in ClinVar:

ClinVar aggregate classification (germline): Uncertain significance. Review status: criteria provided, multiple submitters, no conflicts (2 of 4 stars). 2 submissions from 2 submitters: Uncertain significance (2). Last evaluated 2026-03-15.

Conditions:
Primary dilated cardiomyopathy (DCM). Also called: Dilated Cardiomyopathy. Identifiers: Orphanet 217604, MedGen C0007193, MeSH D002311, MONDO:0005021, HP:0001644. Inheritance: Various modes of inheritance.

Allele frequency attached by ClinVar (database versions not stated): gnomAD exomes 0.00002; TOPMed 0.00002; 1000 Genomes Project 0.00020; ExAC 0.00001; 1000 Genomes Project 30x 0.00031; gnomAD 0.00002.
gnomAD v4.1: 34 of 1,614,076 alleles (0.0021%); highest among the groups gnomAD compares: Admixed American, 0.012%; no homozygotes.

Submissions (2):

Ambry Genetics
Classification: Uncertain significance. Last evaluated: 2026-03-15. Review status: criteria provided, single submitter. Criteria: Ambry Variant Classification Scheme 2023. Collection method: clinical testing. Allele origin: germline.
Comment: The p.S684N variant (also known as c.2051G>A), located in coding exon 20 of the NEBL gene, results from a G to A substitution at nucleotide position 2051. The serine at codon 684 is replaced by asparagine, an amino acid with highly similar properties. This amino acid position is conserved. In addition, this alteration is predicted to be tolerated by in silico analysis. Based on the available evidence, the clinical significance of this variant remains unclear.

Labcorp Genetics (formerly Invitae), Labcorp
Classification: Uncertain significance for Primary dilated cardiomyopathy. Last evaluated: 2023-12-06. Review status: criteria provided, single submitter. Criteria: Invitae Variant Classification Sherloc (09022015). Collection method: clinical testing. Allele origin: germline.
Comment: This sequence change replaces serine, which is neutral and polar, with asparagine, which is neutral and polar, at codon 684 of the NEBL protein (p.Ser684Asn). This variant is present in population databases (rs201497107, gnomAD 0.006%). This variant has not been reported in the literature in individuals affected with NEBL-related conditions. ClinVar contains an entry for this variant (Variation ID: 2196873). An algorithm developed to predict the effect of missense changes on protein structure and function (PolyPhen-2) suggests that this variant is likely to be tolerated. In summary, the available evidence is currently insufficient to determine the role of this variant in disease. Therefore, it has been classified as a Variant of Uncertain Significance.

NM_006393.3(NEBL):c.2051G>A (p.Ser684Asn)

Gene: NEBL (nebulette; minus strand). Cytogenetic location: 10p12.31.
Variant type: single nucleotide variant.
Coding change: c.2051G>A on transcript NM_006393.3 (MANE Select); coding-DNA position 2051, G replaced by A.
Protein change: p.Ser684Asn; replaces serine 684 with asparagine.
Molecular consequence: missense variant. On other transcripts: intron variant (9).
Genome position (GRCh38, 1-based): chr10:20,819,428, C>T on the plus strand (G>A on the coding strand, the complement: NEBL is on the minus strand). VCF-style: chr10-20819428-C-T. GRCh37 (hg19) VCF-style: chr10-21108357-C-T.
Other names: c.250-6488G>A (NM_001377326.1, NM_001377327.1, NM_001377328.1); c.358-6488G>A (NM_213569.2, NM_001173484.2, NM_001377322.1); c.301-6488G>A (NM_001377324.1); c.292-6488G>A (NM_001377325.1); c.310-6488G>A (NM_001377323.1); short protein forms S684N.
Identifiers: ClinVar variation 2196873 (VCV002196873.6), dbSNP rs201497107, ClinGen allele CA5432634.